The following is an entry in ClinVar:

NM_022489.4(INF2):c.*1+8C>T

Gene: INF2 (inverted formin 2; plus strand). Cytogenetic location: 14q32.33.
Variant type: single nucleotide variant.
Coding change: c.*1+8C>T on transcript NM_022489.4 (MANE Select); 8 bases into the intron after 1 bases downstream of the stop codon, C replaced by T.
Molecular consequence: intron variant.
Genome position (GRCh38, 1-based): chr14:104,715,348, C>T. VCF-style: chr14-104715348-C-T. GRCh37 (hg19) VCF-style: chr14-105181685-C-T.
Other names: c.*1+8C>T (NM_001426863.1, NM_001426864.1); c.3694+492C>T (NM_001426865.1, NM_001426862.1, NM_001031714.4).
Identifiers: ClinVar variation 4982577 (VCV004982577.1).
Genomic context (GRCh38, chr14:104,715,348, plus strand): 5'-TCCCCCTGATTCTGATGATAATAAAACAAAGAAACTGTGTGTGATCCAGTAAGGTATGTA[C>T]GCAGCCGGCGCTCCGTGGGGGCTAACAGCAGCTGCAGGGCAGTGGGGCTGGAGCTTGCTG-3'

ClinVar aggregate classification (germline): Likely benign (1 of 4 stars; one submission).

Conditions:
INF2-related disorder. Also called: INF2-related condition.

gnomAD v4.1: 16 of 1,612,404 alleles (0.00099%); highest among the groups gnomAD compares: African/African-American, 0.0067%; no homozygotes.

Submission:

PreventionGenetics, part of Exact Sciences
Classification: Likely benign for INF2-related condition. Last evaluated: 2026-03-06. Review status: criteria provided, single submitter. Criteria: ACMG Guidelines, 2015. Collection method: clinical testing. Allele origin: germline.
Comment: This variant is classified as likely benign based on ACMG/AMP sequence variant interpretation guidelines (Richards et al. 2015 PMID: 25741868, with internal and published modifications).